The following is an entry in ClinVar:

ClinVar aggregate classification (germline): Uncertain significance (1 of 4 stars; one submission).

Conditions:
Familial thoracic aortic aneurysm and aortic dissection (TAAD). Also called: Thoracic aortic aneurysms and dissections. Identifiers: Orphanet 91387, MedGen C4707243, MONDO:0019625.

Submission:

Ambry Genetics
Classification: Uncertain significance for Familial thoracic aortic aneurysm and aortic dissection. Last evaluated: 2024-09-17. Review status: criteria provided, single submitter. Criteria: Ambry Variant Classification Scheme 2023. Collection method: clinical testing. Allele origin: germline.
Comment: The p.S9W variant (also known as c.26C>G), located in coding exon 1 of the MYLK gene, results from a C to G substitution at nucleotide position 26. The serine at codon 9 is replaced by tryptophan, an amino acid with highly dissimilar properties. This amino acid position is conserved. In addition, this alteration is predicted to be tolerated by in silico analysis. Based on the available evidence, the clinical significance of this variant remains unclear.

NM_053025.4(MYLK):c.26C>G (p.Ser9Trp)

Gene: MYLK (myosin light chain kinase; minus strand). Cytogenetic location: 3q21.1.
Variant type: single nucleotide variant.
Coding change: c.26C>G on transcript NM_053025.4 (MANE Select); coding-DNA position 26, C replaced by G.
Protein change: p.Ser9Trp; replaces serine 9 with tryptophan.
Molecular consequence: missense variant. On other transcripts: 5 prime UTR variant (1).
Genome position (GRCh38, 1-based): chr3:123,793,816, G>C on the plus strand (C>G on the coding strand, the complement: MYLK is on the minus strand). VCF-style: chr3-123793816-G-C. GRCh37 (hg19) VCF-style: chr3-123512663-G-C.
Other names: c.-295C>G (NM_001321309.2); c.26C>G, p.Ser9Trp (NM_053026.4, NM_053027.4, NM_053028.4); short protein forms S9W.
Identifiers: ClinVar variation 3401070 (VCV003401070.1).